The following is an entry in ClinVar:

ClinVar aggregate classification (germline): Conflicting classifications of pathogenicity. Review status: criteria provided, conflicting classifications (1 of 4 stars). 5 submissions from 5 submitters: Uncertain significance (4); Likely benign (1). Last evaluated 2025-01-07.

Conditions:
Hereditary cancer-predisposing syndrome. Also called: Neoplastic Syndromes, Hereditary; Tumor predisposition; Hereditary neoplastic syndrome; Hereditary Cancer Syndrome. Identifiers: Orphanet 140162, MedGen C0027672, MeSH D009386, MONDO:0015356.
Hereditary breast ovarian cancer syndrome. Also called: Hereditary breast and ovarian cancer syndrome; Hereditary breast and ovarian cancer; Hereditary breast and ovarian cancer syndrome (HBOC); Breast and ovarian cancer; Hereditary breast and/or ovarian cancer syndrome; BRCA1- and BRCA2-Associated Hereditary Breast and Ovarian Cancer. Identifiers: Orphanet 145, MedGen C0677776, MeSH D061325, MONDO:0003582. Disease mechanism: loss of function.

Submissions (5):

Labcorp Genetics (formerly Invitae), Labcorp
Classification: Uncertain significance for Hereditary breast ovarian cancer syndrome. Last evaluated: 2025-01-07. Review status: criteria provided, single submitter. Criteria: Invitae Variant Classification Sherloc (09022015). Collection method: clinical testing. Allele origin: germline.
Comment: This sequence change replaces glutamic acid, which is acidic and polar, with aspartic acid, which is acidic and polar, at codon 1000 of the BRCA1 protein (p.Glu1000Asp). This variant is not present in population databases (gnomAD no frequency). This variant has not been reported in the literature in individuals affected with BRCA1-related conditions. ClinVar contains an entry for this variant (Variation ID: 628971). Invitae Evidence Modeling of protein sequence and biophysical properties (such as structural, functional, and spatial information, amino acid conservation, physicochemical variation, residue mobility, and thermodynamic stability) has been performed for this missense variant. However, the output from this modeling did not meet the statistical confidence thresholds required to predict the impact of this variant on BRCA1 protein function. In summary, the available evidence is currently insufficient to determine the role of this variant in disease. Therefore, it has been classified as a Variant of Uncertain Significance.

Ambry Genetics
Classification: Uncertain significance for Hereditary cancer-predisposing syndrome. Last evaluated: 2023-12-19. Review status: criteria provided, single submitter. Criteria: Ambry Variant Classification Scheme 2023. Collection method: clinical testing. Allele origin: germline.
Comment: The p.E1000D variant (also known as c.3000G>C), located in coding exon 9 of the BRCA1 gene, results from a G to C substitution at nucleotide position 3000. The glutamic acid at codon 1000 is replaced by aspartic acid, an amino acid with highly similar properties. This amino acid position is not well conserved in available vertebrate species. In addition, the in silico prediction for this alteration is inconclusive. Since supporting evidence is limited at this time, the clinical significance of this alteration remains unclear.

University of Washington Department of Laboratory Medicine, University of Washington
Classification: Likely benign for Hereditary cancer-predisposing syndrome. Last evaluated: 2023-03-23. Review status: criteria provided, single submitter. Criteria: Dines et al. (Genet Med. 2020). Collection method: curation. Allele origin: germline.
Comment: Missense variant in a coldspot region where missense variants are very unlikely to be pathogenic (PMID:31911673).

BRCA1 coldspot (exon 11 using historical exon numbering). Reclassification based on statistical prior probability

GeneDx
Classification: Uncertain significance. Last evaluated: 2021-01-27. Review status: criteria provided, single submitter. Criteria: GeneDx Variant Classification Process June 2021. Collection method: clinical testing. Allele origin: germline. Affected: yes.
Comment: Not observed in large population cohorts (Lek 2016); In silico analysis supports that this missense variant does not alter protein structure/function; Has not been previously published as pathogenic or benign to our knowledge; Also known as 3119G>C

Color Diagnostics, LLC DBA Color Health
Classification: Uncertain significance for Hereditary cancer-predisposing syndrome. Last evaluated: 2019-04-06. Review status: criteria provided, single submitter. Criteria: ACMG Guidelines, 2015. Collection method: clinical testing. Allele origin: germline.

NM_007294.4(BRCA1):c.3000G>C (p.Glu1000Asp)

Gene: BRCA1 (BRCA1 DNA repair associated; minus strand). Cytogenetic location: 17q21.31.
Variant type: single nucleotide variant.
Coding change: c.3000G>C on transcript NM_007294.4 (MANE Select); coding-DNA position 3000, G replaced by C.
Protein change: p.Glu1000Asp; replaces glutamic acid 1000 with aspartic acid.
Molecular consequence: missense variant. On other transcripts: intron variant (137).
Genome position (GRCh38, 1-based): chr17:43,092,531, C>G on the plus strand (G>C on the coding strand, the complement: BRCA1 is on the minus strand). VCF-style: chr17-43092531-C-G. GRCh37 (hg19) VCF-style: chr17-41244548-C-G.
Other names: c.2919G>C, p.Glu973Asp (NM_001407661.1, NM_001407662.1, NM_001407659.1 and 1 more transcripts); c.2922G>C, p.Glu974Asp (NM_001407663.1, NM_001407653.1, NM_001407654.1 and 4 more transcripts); c.2877G>C, p.Glu959Asp (NM_001407664.1, NM_001407665.1, NM_001407666.1 and 19 more transcripts); c.2874G>C, p.Glu958Asp (NM_001407670.1, NM_001407671.1, NM_001407672.1 and 11 more transcripts); c.3000G>C, p.Glu1000Asp (NM_001407684.1, NM_001407854.1, NM_001407858.1 and 30 more transcripts); c.2859G>C, p.Glu953Asp (NM_001407692.1, NM_001407694.1, NM_001407695.1 and 29 more transcripts); c.2856G>C, p.Glu952Asp (NM_001407740.1, NM_001407741.1, NM_001407742.1 and 20 more transcripts); c.2787G>C, p.Glu929Asp (NM_001407853.1, NM_001407894.1, NM_001407895.1 and 9 more transcripts); and 41 more; short protein forms E1000D, E953D, E832D, E933D, E952D, E997D, E999D, E911D.
Identifiers: ClinVar variation 628971 (VCV000628971.26), dbSNP rs748410422, ClinGen allele CA10595999.